The following is an entry in ClinVar:

NM_001329943.3(KIAA0586):c.4316T>C (p.Phe1439Ser)

Gene: KIAA0586 (KIAA0586; plus strand). Cytogenetic location: 14q23.1.
Variant type: single nucleotide variant.
Coding change: c.4316T>C on transcript NM_001329943.3 (MANE Select); coding-DNA position 4316, T replaced by C.
Protein change: p.Phe1439Ser; replaces phenylalanine 1439 with serine.
Molecular consequence: missense variant.
Genome position (GRCh38, 1-based): chr14:58,508,702, T>C. VCF-style: chr14-58508702-T-C. GRCh37 (hg19) VCF-style: chr14-58975420-T-C.
Other names: c.4475T>C, p.Phe1492Ser (NM_001244189.2); c.4271T>C, p.Phe1424Ser (NM_001244190.2); c.4061T>C, p.Phe1354Ser (NM_001244191.2, NM_001329945.2, NM_001364700.1 and 1 more transcripts); c.4184T>C, p.Phe1395Ser (NM_001244192.2, NM_001329947.2); c.3896T>C, p.Phe1299Ser (NM_001244193.2); c.4316T>C, p.Phe1439Ser (NM_001329944.2, NM_001329946.2); c.4088T>C, p.Phe1363Ser (NM_014749.5); short protein forms F1354S, F1424S, F1395S, F1439S, F1299S, F1363S, F1492S.
Identifiers: ClinVar variation 1492351 (VCV001492351.5), dbSNP rs2141431422, ClinGen allele CA390057986.

ClinVar aggregate classification (germline): Uncertain significance (1 of 4 stars; one submission).

Conditions:
Joubert syndrome 23 (JBTS23). Identifiers: Orphanet 475, MedGen C4084822, MONDO:0014664, OMIM 616490.
Short-rib thoracic dysplasia 14 with polydactyly (SRTD14). Identifiers: Orphanet 397715, MedGen C4225286, MONDO:0014688, OMIM 616546.

Allele frequency attached by ClinVar (database versions not stated): gnomAD exomes below 0.00001.
gnomAD v4.1: 4 of 1,583,352 alleles (0.00025%); highest among the groups gnomAD compares: South Asian, 0.0046%; no homozygotes.

Submission:

Labcorp Genetics (formerly Invitae), Labcorp
Classification: Uncertain significance for Joubert syndrome 23; Short-rib thoracic dysplasia 14 with polydactyly. Last evaluated: 2021-08-26. Review status: criteria provided, single submitter. Criteria: Invitae Variant Classification Sherloc (09022015). Collection method: clinical testing. Allele origin: germline.
Comment: This sequence change replaces phenylalanine with serine at codon 1492 of the KIAA0586 protein (p.Phe1492Ser). The phenylalanine residue is weakly conserved and there is a large physicochemical difference between phenylalanine and serine. This variant is not present in population databases (ExAC no frequency). This variant has not been reported in the literature in individuals affected with KIAA0586-related conditions. Algorithms developed to predict the effect of missense changes on protein structure and function (SIFT, PolyPhen-2, Align-GVGD) all suggest that this variant is likely to be tolerated. In summary, the available evidence is currently insufficient to determine the role of this variant in disease. Therefore, it has been classified as a Variant of Uncertain Significance.